The following is an entry in ClinVar:

ClinVar aggregate classification (germline): Uncertain significance (1 of 4 stars; one submission).

Conditions:
T-B+ severe combined immunodeficiency due to JAK3 deficiency. Also called: SCID, T CELL-NEGATIVE, B CELL-POSITIVE, NK CELL-NEGATIVE; SCID, autosomal recessive, T-negative/B-positive type. Identifiers: Orphanet 35078, MedGen C1833275, MONDO:0010938, OMIM 600802.

Allele frequency attached by ClinVar (database versions not stated): TOPMed below 0.00001; gnomAD 0.00001.
gnomAD v4.1: 2 of 1,557,030 alleles (0.00013%); highest among the groups gnomAD compares: Admixed American, 0.0037%; no homozygotes.

Submission:

Labcorp Genetics (formerly Invitae), Labcorp
Classification: Uncertain significance for T-B+ severe combined immunodeficiency due to JAK3 deficiency. Last evaluated: 2022-08-23. Review status: criteria provided, single submitter. Criteria: Invitae Variant Classification Sherloc (09022015). Collection method: clinical testing. Allele origin: germline.
Comment: This sequence change replaces leucine, which is neutral and non-polar, with glutamine, which is neutral and polar, at codon 1035 of the JAK3 protein (p.Leu1035Gln). This variant is not present in population databases (gnomAD no frequency). This variant has not been reported in the literature in individuals affected with JAK3-related conditions. ClinVar contains an entry for this variant (Variation ID: 1396409). Algorithms developed to predict the effect of missense changes on protein structure and function are either unavailable or do not agree on the potential impact of this missense change (SIFT: "Deleterious"; PolyPhen-2: "Possibly Damaging"; Align-GVGD: "Class C0"). In summary, the available evidence is currently insufficient to determine the role of this variant in disease. Therefore, it has been classified as a Variant of Uncertain Significance.

NM_000215.4(JAK3):c.3104T>A (p.Leu1035Gln)

Gene: JAK3 (Janus kinase 3; minus strand). Cytogenetic location: 19p13.11.
Variant type: single nucleotide variant.
Coding change: c.3104T>A on transcript NM_000215.4 (MANE Select); coding-DNA position 3104, T replaced by A.
Protein change: p.Leu1035Gln; replaces leucine 1035 with glutamine.
Molecular consequence: missense variant.
Genome position (GRCh38, 1-based): chr19:17,830,211, A>T on the plus strand (T>A on the coding strand, the complement: JAK3 is on the minus strand). VCF-style: chr19-17830211-A-T. GRCh37 (hg19) VCF-style: chr19-17941020-A-T.
Other names: short protein forms L1035Q.
Identifiers: ClinVar variation 1396409 (VCV001396409.3), dbSNP rs2094211254, ClinGen allele CA404764275.